The following is an entry in ClinVar:

ClinVar aggregate classification (germline): Uncertain significance (1 of 4 stars; one submission).

Allele frequency attached by ClinVar (database versions not stated): gnomAD exomes 0.00001; ExAC 0.00003; ESP Exome Variant Server 0.00008; TOPMed 0.00010; gnomAD 0.00013.
gnomAD v4.1: 38 of 1,614,218 alleles (0.0024%); highest among the groups gnomAD compares: African/African-American, 0.045%; no homozygotes.

Submission:

Labcorp Genetics (formerly Invitae), Labcorp
Classification: Uncertain significance. Last evaluated: 2024-11-18. Review status: criteria provided, single submitter. Criteria: Invitae Variant Classification Sherloc (09022015). Collection method: clinical testing. Allele origin: germline.
Comment: This sequence change replaces tryptophan, which is neutral and slightly polar, with cysteine, which is neutral and slightly polar, at codon 562 of the DUOX2 protein (p.Trp562Cys). This variant is present in population databases (rs142407409, gnomAD 0.04%). This variant has not been reported in the literature in individuals affected with DUOX2-related conditions. ClinVar contains an entry for this variant (Variation ID: 2086355). Invitae Evidence Modeling of protein sequence and biophysical properties (such as structural, functional, and spatial information, amino acid conservation, physicochemical variation, residue mobility, and thermodynamic stability) indicates that this missense variant is not expected to disrupt DUOX2 protein function with a negative predictive value of 80%. In summary, the available evidence is currently insufficient to determine the role of this variant in disease. Therefore, it has been classified as a Variant of Uncertain Significance.

NM_001363711.2(DUOX2):c.1686G>C (p.Trp562Cys)

Gene: DUOX2 (dual oxidase 2; minus strand). Cytogenetic location: 15q21.1.
Variant type: single nucleotide variant.
Coding change: c.1686G>C on transcript NM_001363711.2 (MANE Select); coding-DNA position 1686, G replaced by C.
Protein change: p.Trp562Cys; replaces tryptophan 562 with cysteine.
Molecular consequence: missense variant.
Genome position (GRCh38, 1-based): chr15:45,107,352, C>G on the plus strand (G>C on the coding strand, the complement: DUOX2 is on the minus strand). VCF-style: chr15-45107352-C-G. GRCh37 (hg19) VCF-style: chr15-45399550-C-G.
Other names: c.1686G>C, p.Trp562Cys (NM_014080.5); short protein forms W562C.
Identifiers: ClinVar variation 2086355 (VCV002086355.3), dbSNP rs142407409, ClinGen allele CA7538532.